The following is an entry in ClinVar:

ClinVar aggregate classification (germline): Uncertain significance (1 of 4 stars; one submission).

Allele frequency attached by ClinVar (database versions not stated): gnomAD exomes below 0.00001.
gnomAD v4.1: 1 of 1,607,274 alleles (0.000062%); highest among the groups gnomAD compares: Non-Finnish European, 0.000085%; no homozygotes.

Submission:

Labcorp Genetics (formerly Invitae), Labcorp
Classification: Uncertain significance. Last evaluated: 2023-11-27. Review status: criteria provided, single submitter. Criteria: Invitae Variant Classification Sherloc (09022015). Collection method: clinical testing. Allele origin: germline.
Comment: This sequence change replaces proline, which is neutral and non-polar, with threonine, which is neutral and polar, at codon 41 of the CACNA2D4 protein (p.Pro41Thr). This variant is not present in population databases (gnomAD no frequency). This variant has not been reported in the literature in individuals affected with CACNA2D4-related conditions. ClinVar contains an entry for this variant (Variation ID: 1348610). Algorithms developed to predict the effect of missense changes on protein structure and function output the following: SIFT: "Not Available"; PolyPhen-2: "Benign"; Align-GVGD: "Not Available". The threonine amino acid residue is found in multiple mammalian species, which suggests that this missense change does not adversely affect protein function. In summary, the available evidence is currently insufficient to determine the role of this variant in disease. Therefore, it has been classified as a Variant of Uncertain Significance.

NM_172364.5(CACNA2D4):c.121C>A (p.Pro41Thr)

Gene: CACNA2D4 (calcium voltage-gated channel auxiliary subunit alpha2delta 4; minus strand). Cytogenetic location: 12p13.33.
Variant type: single nucleotide variant.
Coding change: c.121C>A on transcript NM_172364.5 (MANE Select); coding-DNA position 121, C replaced by A.
Protein change: p.Pro41Thr; replaces proline 41 with threonine.
Molecular consequence: missense variant.
Genome position (GRCh38, 1-based): chr12:1,918,353, G>T on the plus strand (C>A on the coding strand, the complement: CACNA2D4 is on the minus strand). VCF-style: chr12-1918353-G-T. GRCh37 (hg19) VCF-style: chr12-2027519-G-T.
Other names: short protein forms P41T.
Identifiers: ClinVar variation 1348610 (VCV001348610.8), dbSNP rs1170423858, ClinGen allele CA383366212.